The following is an entry in ClinVar:

ClinVar aggregate classification (germline): Uncertain significance (1 of 4 stars; one submission).

Conditions:
JAG2-related disorder. Also called: JAG2-related condition.

gnomAD v4.1: 7 of 1,599,294 alleles (0.00044%); highest among the groups gnomAD compares: Non-Finnish European, 0.00059%; no homozygotes.

Submission:

PreventionGenetics, part of Exact Sciences
Classification: Uncertain significance for JAG2-related condition. Last evaluated: 2023-03-21. Review status: criteria provided, single submitter. Criteria: ACMG Guidelines, 2015. Collection method: clinical testing. Allele origin: germline.
Comment: The JAG2 c.3307G>T variant is predicted to result in the amino acid substitution p.Val1103Leu. To our knowledge, this variant has not been reported in the literature. This variant is reported in 0.0019% of alleles in individuals of European (Non-Finnish) descent in gnomAD. At this time, the clinical significance of this variant is uncertain due to the absence of conclusive functional and genetic evidence.

NM_002226.5(JAG2):c.3307G>T (p.Val1103Leu)

Gene: JAG2 (jagged canonical Notch ligand 2; minus strand). Cytogenetic location: 14q32.33.
Variant type: single nucleotide variant.
Coding change: c.3307G>T on transcript NM_002226.5 (MANE Select); coding-DNA position 3307, G replaced by T.
Protein change: p.Val1103Leu; replaces valine 1103 with leucine.
Molecular consequence: missense variant.
Genome position (GRCh38, 1-based): chr14:105,143,105, C>A on the plus strand (G>T on the coding strand, the complement: JAG2 is on the minus strand). VCF-style: chr14-105143105-C-A. GRCh37 (hg19) VCF-style: chr14-105609442-C-A.
Other names: c.3193G>T, p.Val1065Leu (NM_145159.3); short protein forms V1065L, V1103L.
Identifiers: ClinVar variation 2630450 (VCV002630450.1), dbSNP rs774914201, ClinGen allele CA7385235.
Genomic context (GRCh38, chr14:105,143,105, plus strand): 5'-TCTCCTCCCGCGGCAGCCGGCTCCTCTCCCGCTCTTTCCTGCGCTTGCGTGTCCACCACA[C>A]GCACAGGACCACGCACGCCAGCCACAGCACGCTGAAGGCACCACACAGCACAGGCACCAG-3'
Protein context (NP_002217.3, residues 1093-1113): VLWLACVVLC[Val1103Leu]WWTRKRRKER